The following is an entry in ClinVar:

NM_001267550.2(TTN):c.84525G>C (p.Trp28175Cys)

Genes: TTN (titin; minus strand), TTN-AS1 (TTN antisense RNA 1; plus strand). Cytogenetic location: 2q31.2.
Variant type: single nucleotide variant.
Coding change: c.84525G>C on transcript NM_001267550.2 (MANE Select); coding-DNA position 84525, G replaced by C.
Protein change: p.Trp28175Cys; replaces tryptophan 28175 with cysteine.
Molecular consequence: missense variant.
Genome position (GRCh38, 1-based): chr2:178,561,607, C>G on the plus strand (G>C on the coding strand, the complement: TTN is on the minus strand). VCF-style: chr2-178561607-C-G. GRCh37 (hg19) VCF-style: chr2-179426334-C-G.
Other names: c.57705G>C, p.Trp19235Cys (NM_133432.3); c.57906G>C, p.Trp19302Cys (NM_133437.4); c.79602G>C, p.Trp26534Cys (NM_001256850.1); c.57330G>C, p.Trp19110Cys (NM_003319.4); c.76821G>C, p.Trp25607Cys (NM_133378.4); short protein forms W19110C, W19235C, W19302C, W25607C, W26534C, W28175C.
Identifiers: ClinVar variation 4875181 (VCV004875181.2).
Genomic context (GRCh38, chr2:178,561,607, plus strand): 5'-TTCTTTATACTCAAGATGATAGCCAATTACTCGACTTCCTCCATCATTAACTGGCACTTG[C>G]CAGGTTACAAGCATGGTAGATTTTGTGGCATGCACAACTTTAGGAGTACCAGGAGGACCT-3'
Protein context (NP_001254479.2, residues 28165-28185): HATKSTMLVT[Trp28175Cys]QVPVNDGGSR

ClinVar aggregate classification (germline): Uncertain significance (1 of 4 stars; one submission).

Submission:

CeGaT Center for Human Genetics Tuebingen
Classification: Uncertain significance. Last evaluated: 2026-06-01. Review status: criteria provided, single submitter. Criteria: CeGaT Center For Human Genetics Tuebingen Variant Classification Criteria Version 2. Collection method: clinical testing. Allele origin: germline. Affected: yes. Observed: 1 variant allele.
Comment: TTN: PM2